The following is an entry in ClinVar:

ClinVar aggregate classification (germline): Uncertain significance (1 of 4 stars; one submission).

Conditions:
Von Hippel-Lindau syndrome (VHLS). Also called: von Hippel–Lindau syndrome; VHL syndrome; Von Hippel-Lindau. Identifiers: Orphanet 892, MedGen C0019562, MONDO:0008667, OMIM 193300. Disease mechanism: loss of function.
Chuvash polycythemia. Also called: POLYCYTHEMIA, VHL-DEPENDENT. Identifiers: Orphanet 238557, MedGen C1837915, MONDO:0009892, OMIM 263400.

Submission:

Labcorp Genetics (formerly Invitae), Labcorp
Classification: Uncertain significance for Von Hippel-Lindau syndrome; Chuvash polycythemia. Last evaluated: 2024-12-30. Review status: criteria provided, single submitter. Criteria: Invitae Variant Classification Sherloc (09022015). Collection method: clinical testing. Allele origin: germline.
Comment: This sequence change falls in intron 1 of the VHL gene. It is not expected to change the encoded amino acid sequence of the VHL protein. However, this sequence change falls within a cryptic exon in the VHL gene, known as exon E1’, which is naturally expressed at low levels in several human tissues (PMID: 29891534). This variant is not present in population databases (gnomAD no frequency). This variant has not been reported in the literature in individuals affected with VHL-related conditions. ClinVar contains an entry for this variant (Variation ID: 956223). Algorithms developed to predict the effect of sequence changes on RNA splicing suggest that this variant is not likely to affect RNA splicing. In summary, the available evidence is currently insufficient to determine the role of this variant in disease. Therefore, it has been classified as a Variant of Uncertain Significance.

Literature cited by the submitters: PubMed 29891534.

NM_000551.4(VHL):c.340+681A>T

Genes: VHL (von Hippel-Lindau tumor suppressor; plus strand), LOC107303340 (3p25 von Hippel-Lindau tumor suppressor, E3 ubiquitin protein ligase Alu-mediated recombination region; plus strand). Cytogenetic location: 3p25.3.
Variant type: single nucleotide variant.
Coding change: c.340+681A>T on transcript NM_000551.4 (MANE Select); 681 bases into the intron after coding-DNA position 340, A replaced by T.
Molecular consequence: intron variant. On other transcripts: missense variant (1).
Genome position (GRCh38, 1-based): chr3:10,142,868, A>T. VCF-style: chr3-10142868-A-T. GRCh37 (hg19) VCF-style: chr3-10184552-A-T.
Other names: c.446A>T, p.His149Leu (NM_001354723.2); c.340+681A>T (NM_198156.3); short protein forms H149L.
Identifiers: ClinVar variation 956223 (VCV000956223.10), dbSNP rs1696160604, ClinGen allele CA1139655737.